The following is an entry in ClinVar:

ClinVar aggregate classification (germline): Uncertain significance. Review status: criteria provided, multiple submitters, no conflicts (2 of 4 stars). 3 submissions from 3 submitters: Uncertain significance (3). Last evaluated 2026-01-21.

Allele frequency attached by ClinVar (database versions not stated): gnomAD 0.00006; ESP Exome Variant Server 0.00008; TOPMed 0.00009; gnomAD exomes 0.00016; ExAC 0.00021.
gnomAD v4.1: 94 of 1,613,922 alleles (0.0058%); highest among the groups gnomAD compares: Admixed American, 0.038%; 1 homozygote.

Submissions (3):

Labcorp Genetics (formerly Invitae), Labcorp
Classification: Uncertain significance. Last evaluated: 2026-01-21. Review status: criteria provided, single submitter. Criteria: Invitae Variant Classification Sherloc (09022015). Collection method: clinical testing. Allele origin: germline.
Comment: This sequence change replaces glutamine, which is neutral and polar, with leucine, which is neutral and non-polar, at codon 222 of the NEUROD1 protein (p.Gln222Leu). This variant is present in population databases (rs201829057, gnomAD 0.06%). This variant has not been reported in the literature in individuals affected with NEUROD1-related conditions. ClinVar contains an entry for this variant (Variation ID: 1353077). Invitae Evidence Modeling of protein sequence and biophysical properties (such as structural, functional, and spatial information, amino acid conservation, physicochemical variation, residue mobility, and thermodynamic stability) indicates that this missense variant is not expected to disrupt NEUROD1 protein function with a negative predictive value of 80%. In summary, the available evidence is currently insufficient to determine the role of this variant in disease. Therefore, it has been classified as a Variant of Uncertain Significance.

GeneDx
Classification: Uncertain significance. Last evaluated: 2026-01-13. Review status: criteria provided, single submitter. Criteria: GeneDx Variant Classification Process June 2021. Collection method: clinical testing. Allele origin: germline.
Comment: In silico analysis supports that this missense variant has a deleterious effect on protein structure/function; Has not been previously published as pathogenic or benign to our knowledge

Genetic Services Laboratory, University of Chicago
Classification: Uncertain significance. Last evaluated: 2023-04-17. Review status: criteria provided, single submitter. Criteria: ACMG Guidelines, 2015. Collection method: clinical testing. Allele origin: germline. Affected: no.
Comment: DNA sequence analysis of the NEUROD1 gene demonstrated a sequence change, c.665A>T, in exon 2 that results in an amino acid change, p.Gln222Leu. This sequence change does not appear to have been previously described in individuals with NEUROD1-related disorders. This sequence change has been described in the gnomAD database with a frequency of 0.06% in the Latino/Admixed American subpopulation (dbSNP rs201829057). The p.Gln222Leu change affects a moderately conserved amino acid residue located in a domain of the NEUROD1 protein that is known to be functional. The p.Gln222Leu substitution appears to be benign using several in-silico pathogenicity prediction tools (SIFT, PolyPhen2, Align GVGD, REVEL). Due to insufficient evidence and the lack of functional studies, the clinical significance of the p.Gln222Leu change remains unknown at this time.

NM_002500.5(NEUROD1):c.665A>T (p.Gln222Leu)

Gene: NEUROD1 (neuronal differentiation 1; minus strand). Cytogenetic location: 2q31.3.
Variant type: single nucleotide variant.
Coding change: c.665A>T on transcript NM_002500.5 (MANE Select); coding-DNA position 665, A replaced by T.
Protein change: p.Gln222Leu; replaces glutamine 222 with leucine.
Molecular consequence: missense variant.
Genome position (GRCh38, 1-based): chr2:181,678,196, T>A on the plus strand (A>T on the coding strand, the complement: NEUROD1 is on the minus strand). VCF-style: chr2-181678196-T-A. GRCh37 (hg19) VCF-style: chr2-182542923-T-A.
Other names: c.665A>T (NM_002500.3, NM_002500.4); short protein forms Q222L.
Identifiers: ClinVar variation 1353077 (VCV001353077.10), dbSNP rs201829057, ClinGen allele CA2011085.